The following is an entry in ClinVar:

ClinVar aggregate classification (germline): Uncertain significance. Review status: criteria provided, multiple submitters, no conflicts (2 of 4 stars). 2 submissions from 2 submitters: Uncertain significance (2). Last evaluated 2025-08-30.

Conditions:
Inborn genetic diseases. Identifiers: MedGen C0950123, MeSH D030342.

gnomAD v4.1: 3 of 1,613,912 alleles (0.00019%); highest among the groups gnomAD compares: Non-Finnish European, 0.00025%; no homozygotes.

Submissions (2):

Ambry Genetics
Classification: Uncertain significance for Inborn genetic diseases. Last evaluated: 2025-08-30. Review status: criteria provided, single submitter. Criteria: Ambry Variant Classification Scheme 2023. Collection method: clinical testing. Allele origin: germline.

GeneDx
Classification: Uncertain significance. Last evaluated: 2024-05-14. Review status: criteria provided, single submitter. Criteria: GeneDx Variant Classification Process June 2021. Collection method: clinical testing. Allele origin: germline. Affected: yes.
Comment: Not observed at significant frequency in large population cohorts (gnomAD); In silico analysis supports that this missense variant has a deleterious effect on protein structure/function; Has not been previously published as pathogenic or benign to our knowledge

NM_001378414.1(HDAC4):c.3160G>A (p.Glu1054Lys)

Gene: HDAC4 (histone deacetylase 4; minus strand). Cytogenetic location: 2q37.3.
Variant type: single nucleotide variant.
Coding change: c.3160G>A on transcript NM_001378414.1 (MANE Select); coding-DNA position 3160, G replaced by A.
Protein change: p.Glu1054Lys; replaces glutamic acid 1054 with lysine.
Molecular consequence: missense variant.
Genome position (GRCh38, 1-based): chr2:239,053,530, C>T on the plus strand (G>A on the coding strand, the complement: HDAC4 is on the minus strand). VCF-style: chr2-239053530-C-T. GRCh37 (hg19) VCF-style: chr2-239975226-C-T.
Other names: c.3160G>A, p.Glu1054Lys (NM_001378415.1); c.3145G>A, p.Glu1049Lys (NM_001378416.1, NM_001378417.1, NM_006037.4); short protein forms E1049K, E1054K.
Identifiers: ClinVar variation 3378241 (VCV003378241.2).
Genomic context (GRCh38, chr2:239,053,530, plus strand): 5'-CGGGCTTCACGCCCACGGACAGCGAGGCCATGGCGGTGACCGTCTCGGCTTCTTCGTTCT[C>T]GCAAGTCTGAGCCTCGATCAGAGAACGCCCCGCTGTGGAGGTTGTGCGCTGCAGGCAGCG-3'
Protein context (NP_001365343.1, residues 1044-1064): GRSLIEAQTC[Glu1054Lys]NEEAETVTAM